The following is an entry in ClinVar:

ClinVar aggregate classification (germline): Conflicting classifications of pathogenicity. Review status: criteria provided, conflicting classifications (1 of 4 stars). 3 submissions from 3 submitters: Uncertain significance (1); Likely benign (2). Last evaluated 2026-05-01.

Conditions:
Inborn genetic diseases. Identifiers: MedGen C0950123, MeSH D030342.

Allele frequency attached by ClinVar (database versions not stated): TOPMed 0.00006; gnomAD 0.00008; ExAC 0.00026.
gnomAD v4.1: 61 of 1,336,300 alleles (0.0046%); highest among the groups gnomAD compares: South Asian, 0.011%; 1 homozygote.

Submissions (3):

CeGaT Center for Human Genetics Tuebingen
Classification: Uncertain significance. Last evaluated: 2026-05-01. Review status: criteria provided, single submitter. Criteria: CeGaT Center For Human Genetics Tuebingen Variant Classification Criteria Version 2. Collection method: clinical testing. Allele origin: germline. Affected: yes. Observed: 2 variant alleles.
Comment: NOVA2: PP2

Ambry Genetics
Classification: Likely benign for Inborn genetic diseases. Last evaluated: 2024-12-25. Review status: criteria provided, single submitter. Criteria: Ambry Variant Classification Scheme 2023. Collection method: clinical testing. Allele origin: germline.

Blueprint Genetics
Classification: Likely benign. Last evaluated: 2024-09-11. Review status: criteria provided, single submitter. Criteria: ACMG Guidelines, 2015. Collection method: clinical testing. Allele origin: germline.

NM_002516.4(NOVA2):c.991G>A (p.Ala331Thr)

Gene: NOVA2 (NOVA alternative splicing regulator 2; minus strand). Cytogenetic location: 19q13.32.
Variant type: single nucleotide variant.
Coding change: c.991G>A on transcript NM_002516.4 (MANE Select); coding-DNA position 991, G replaced by A.
Protein change: p.Ala331Thr; replaces alanine 331 with threonine.
Molecular consequence: missense variant.
Genome position (GRCh38, 1-based): chr19:45,940,351, C>T on the plus strand (G>A on the coding strand, the complement: NOVA2 is on the minus strand). VCF-style: chr19-45940351-C-T. GRCh37 (hg19) VCF-style: chr19-46443609-C-T.
Other names: c.991G>A (NM_002516.2); short protein forms A331T.
Identifiers: ClinVar variation 3239059 (VCV003239059.21), dbSNP rs756083426.